The following is an entry in ClinVar:

NM_002460.4(IRF4):c.403G>A (p.Gly135Arg)

Gene: IRF4 (interferon regulatory factor 4; plus strand). Cytogenetic location: 6p25.3.
Variant type: single nucleotide variant.
Coding change: c.403G>A on transcript NM_002460.4 (MANE Select); coding-DNA position 403, G replaced by A.
Protein change: p.Gly135Arg; replaces glycine 135 with arginine.
Molecular consequence: missense variant. On other transcripts: non-coding transcript variant (1).
Genome position (GRCh38, 1-based): chr6:395,007, G>A. VCF-style: chr6-395007-G-A. GRCh37 (hg19) VCF-style: chr6-395007-G-A.
Other names: c.403G>A, p.Gly135Arg (NM_001195286.2); short protein forms G135R.
Identifiers: ClinVar variation 2815154 (VCV002815154.3), dbSNP rs2480811400, ClinGen allele CA362547146.
Genomic context (GRCh38, chr6:395,007, plus strand): 5'-CAGCTGGACATCTCAGACCCGTACAAAGTGTACAGGATTGTTCCTGAGGGAGCCAAAAAA[G>A]GTAGGGGCTCTCCTGAATTTGGGTCACCTAACAGAGGCAGCCAGATCCTTGAGGCACCTT-3'
Protein context (NP_002451.2, residues 125-145): YRIVPEGAKK[Gly135Arg]AKQLTLEDPQ

ClinVar aggregate classification (germline): Uncertain significance (1 of 4 stars; one submission).

Submission:

Labcorp Genetics (formerly Invitae), Labcorp
Classification: Uncertain significance. Last evaluated: 2022-11-18. Review status: criteria provided, single submitter. Criteria: Invitae Variant Classification Sherloc (09022015). Collection method: clinical testing. Allele origin: germline.
Comment: In summary, the available evidence is currently insufficient to determine the role of this variant in disease. Therefore, it has been classified as a Variant of Uncertain Significance. Variants that disrupt the consensus splice site are a relatively common cause of aberrant splicing (PMID: 17576681, 9536098). Algorithms developed to predict the effect of sequence changes on RNA splicing suggest that this variant may create or strengthen a splice site. Algorithms developed to predict the effect of missense changes on protein structure and function are either unavailable or do not agree on the potential impact of this missense change (SIFT: "Deleterious"; PolyPhen-2: "Benign"; Align-GVGD: "Class C0"). This variant has not been reported in the literature in individuals affected with IRF4-related conditions. This variant is not present in population databases (gnomAD no frequency). This sequence change replaces glycine, which is neutral and non-polar, with arginine, which is basic and polar, at codon 135 of the IRF4 protein (p.Gly135Arg). This variant also falls at the last nucleotide of exon 3, which is part of the consensus splice site for this exon.

Literature cited by the submitters: PubMed 17576681; PubMed 9536098.